The following is an entry in ClinVar:

ClinVar aggregate classification (germline): Likely benign (1 of 4 stars; one submission).

gnomAD v4.1: 1,597 of 1,548,754 alleles (0.1%); highest among the groups gnomAD compares: Non-Finnish European, 0.12%; 4 homozygotes.

Submission:

CeGaT Center for Human Genetics Tuebingen
Classification: Likely benign. Last evaluated: 2026-03-01. Review status: criteria provided, single submitter. Criteria: CeGaT Center For Human Genetics Tuebingen Variant Classification Criteria Version 2. Collection method: clinical testing. Allele origin: germline. Affected: yes. Observed: 2 variant alleles.
Comment: IQSEC1: BS2

NM_001134382.3(IQSEC1):c.3059C>T (p.Pro1020Leu)

Gene: IQSEC1 (IQ motif and Sec7 domain ArfGEF 1; minus strand). Cytogenetic location: 3p25.2.
Variant type: single nucleotide variant.
Coding change: c.3059C>T on transcript NM_001134382.3 (MANE Select); coding-DNA position 3059, C replaced by T.
Protein change: p.Pro1020Leu; replaces proline 1020 with leucine.
Molecular consequence: missense variant. On other transcripts: 3 prime UTR variant (1), intron variant (1).
Genome position (GRCh38, 1-based): chr3:12,901,269, G>A on the plus strand (C>T on the coding strand, the complement: IQSEC1 is on the minus strand). VCF-style: chr3-12901269-G-A. GRCh37 (hg19) VCF-style: chr3-12942768-G-A.
Other names: c.*240C>T (NM_001330619.3); c.3383C>T, p.Pro1128Leu (NM_001376938.2); c.2847+1504C>T (NM_014869.8); short protein forms P1020L, P1128L.
Identifiers: ClinVar variation 4821195 (VCV004821195.4).